The following is an entry in ClinVar:

NM_000363.5(TNNI3):c.264G>A (p.Leu88=)

Gene: TNNI3 (troponin I3, cardiac type; minus strand). Cytogenetic location: 19q13.42.
Variant type: single nucleotide variant.
Coding change: c.264G>A on transcript NM_000363.5 (MANE Select); coding-DNA position 264, G replaced by A.
Protein change: p.Leu88=; no amino-acid change (leucine 88 retained).
Molecular consequence: synonymous variant.
Genome position (GRCh38, 1-based): chr19:55,156,219, C>T on the plus strand (G>A on the coding strand, the complement: TNNI3 is on the minus strand). VCF-style: chr19-55156219-C-T. GRCh37 (hg19) VCF-style: chr19-55667587-C-T.
Other names: c.264G>A (LRG_432t1).
Identifiers: ClinVar variation 513184 (VCV000513184.1), dbSNP rs772928416, ClinGen allele CA508989545.

ClinVar aggregate classification (germline): Likely benign (1 of 4 stars; one submission).

gnomAD v4.1: 3 of 1,612,736 alleles (0.00019%); highest among the groups gnomAD compares: Non-Finnish European, 0.00025%; no homozygotes.

Submission:

GeneDx
Classification: Likely benign. Last evaluated: 2017-11-02. Review status: criteria provided, single submitter. Criteria: GeneDx Variant Classification (06012015). Collection method: clinical testing. Allele origin: germline. Affected: yes.
Comment: This variant is considered likely benign or benign based on one or more of the following criteria: it is a conservative change, it occurs at a poorly conserved position in the protein, it is predicted to be benign by multiple in silico algorithms, and/or has population frequency not consistent with disease.